The following is an entry in ClinVar:

ClinVar aggregate classification (germline): Uncertain significance. Review status: criteria provided, multiple submitters, no conflicts (2 of 4 stars). 2 submissions from 2 submitters: Uncertain significance (2). Last evaluated 2025-07-11.

Allele frequency attached by ClinVar (database versions not stated): gnomAD exomes 0.00002 and 0.00001; 1000 Genomes Project 0.00020; ExAC 0.00003; 1000 Genomes Project 30x 0.00016; gnomAD 0.00003; TOPMed 0.00003.
gnomAD v4.1: 17 of 1,610,536 alleles (0.0011%); highest among the groups gnomAD compares: African/African-American, 0.0093%; no homozygotes.

Submissions (2):

GeneDx
Classification: Uncertain significance. Last evaluated: 2025-07-11. Review status: criteria provided, single submitter. Criteria: GeneDx Variant Classification Process June 2021. Collection method: clinical testing. Allele origin: germline. Affected: yes.
Comment: Has not been previously published as pathogenic or benign to our knowledge; In silico analysis is inconclusive as to whether the variant alters gene splicing. In the absence of RNA/functional studies, the actual effect of this sequence change is unknown.

Laboratory for Molecular Medicine, Mass General Brigham Personalized Medicine
Classification: Uncertain significance. Last evaluated: 2017-05-09. Review status: criteria provided, single submitter. Criteria: LMM Criteria. Collection method: clinical testing. Allele origin: germline. Observed: 1 variant allele.
Comment: The c.8225-12G>A variant in MYO15A has not been previously reported in individua ls with hearing loss, but was identified in 4/23348 African chromosomes by the G enome Aggregation Database (gnomAD; dbSNP rs54 1139484). Although this variant has been seen in the general population, its fre quency is not high enough to rule out a pathogenic role. This variant is located in the 3' splice region. Computational tools suggest a possible impact to splic ing; however, this information is not predictive enough to determine pathogenici ty. In summary, the clinical significance of the c.8225-12G>A variant is uncerta in.

NM_016239.4(MYO15A):c.8225-12G>A

Gene: MYO15A (myosin XVA; plus strand). Cytogenetic location: 17p11.2.
Variant type: single nucleotide variant.
Coding change: c.8225-12G>A on transcript NM_016239.4 (MANE Select); 12 bases into the intron before coding-DNA position 8225, G replaced by A.
Molecular consequence: intron variant.
Genome position (GRCh38, 1-based): chr17:18,155,098, G>A. VCF-style: chr17-18155098-G-A. GRCh37 (hg19) VCF-style: chr17-18058412-G-A.
Identifiers: ClinVar variation 517393 (VCV000517393.5), dbSNP rs541139484, ClinGen allele CA8425099.